The following is an entry in ClinVar:

NM_133433.4(NIPBL):c.1747G>T (p.Glu583Ter)

Gene: NIPBL (NIPBL cohesin loading factor; plus strand). Cytogenetic location: 5p13.2.
Variant type: single nucleotide variant.
Coding change: c.1747G>T on transcript NM_133433.4 (MANE Select); coding-DNA position 1747, G replaced by T.
Protein change: p.Glu583Ter; replaces glutamic acid 583 with a stop codon.
Molecular consequence: nonsense.
Genome position (GRCh38, 1-based): chr5:36,984,927, G>T. VCF-style: chr5-36984927-G-T. GRCh37 (hg19) VCF-style: chr5-36985029-G-T.
Other names: c.1747G>T, p.Glu583Ter (NM_001438586.1, NM_015384.5); short protein forms E583*.
Identifiers: ClinVar variation 4992010 (VCV004992010.1).

ClinVar aggregate classification (germline): Pathogenic (1 of 4 stars; one submission).

Conditions:
NIPBL-related disorder. Also called: NIPBL-related condition.

Submission:

PreventionGenetics, part of Exact Sciences
Classification: Pathogenic for NIPBL-related condition. Last evaluated: 2026-08-24. Review status: criteria provided, single submitter. Criteria: ACMG Guidelines, 2015. Collection method: clinical testing. Allele origin: germline.
Comment: The NIPBL c.1747G>T variant is predicted to result in premature protein termination (p.Glu583*). To our knowledge, this variant has not been reported in the literature or in a large population database (gnomAD), indicating this variant is rare. Nonsense variants in NIPBL are expected to be pathogenic. This variant is interpreted as pathogenic.